The following is an entry in ClinVar:

ClinVar aggregate classification (germline): Likely pathogenic. Review status: reviewed by expert panel (3 of 4 stars). 9 submissions from 9 submitters: Likely pathogenic (1). 8 of the submissions do not count toward it. Last evaluated 2025-11-13.

Conditions:
MYH7-related disorder. Also called: MYH7-related disorders; MYH7-related condition; MYH7-related disease.
Cardiovascular phenotype. Identifiers: MedGen CN230736.
Primary familial hypertrophic cardiomyopathy (HCM). Identifiers: Orphanet 99739, MedGen C0949658, MeSH D024741, MONDO:0024573. Inheritance: Various modes of inheritance.
Primary dilated cardiomyopathy (DCM). Also called: Dilated Cardiomyopathy. Identifiers: Orphanet 217604, MedGen C0007193, MeSH D002311, MONDO:0005021, HP:0001644. Inheritance: Various modes of inheritance.
Hypertrophic cardiomyopathy. Also called: HYPERTROPHIC MYOCARDIOPATHY. Identifiers: Orphanet 217569, MedGen C0007194, MeSH D002312, MONDO:0005045, HP:0001639.

Allele frequency attached by ClinVar (database versions not stated): gnomAD exomes below 0.00001 and 0.00001; ExAC 0.00001.
gnomAD v4.1: 7 of 1,599,028 alleles (0.00044%); highest among the groups gnomAD compares: East Asian, 0.0022%; no homozygotes.

Submissions (9):

ClinGen Cardiomyopathy Variant Curation Expert Panel
Classification: Likely pathogenic for Primary dilated cardiomyopathy. Last evaluated: 2025-11-13. Review status: reviewed by expert panel. Criteria: ClinGen CMP ACMG Specifications MYH7 V2.0.0. Collection method: curation. Allele origin: germline. Inheritance: Autosomal dominant inheritance.
Comment: NM_000257.4(MYH7):c.3578G>A (p.Arg1193His) - This variant has been reported in individuals with DCM (LMM data, OMGL data, PMIDs: 22464770, 24503780, 27532257, 29300372) and is statistically increased in individuals with cardiomyopathy compared to controls [OR lower 95% CI >10]. Therefore, the PS4_Moderate criterion has been applied. This variant also segregated in 5 affected relatives with DCM from 4 families (PP1_Moderate; LMM data; OMGL data). This variant is present in gnomAD (v2.1.1), but did meet the threshold for PM2_Supporting. Computational prediction tools suggest that this variant may impact the protein (REVEL score >0.7; PP3). In summary, this variant is classified as Likely Pathogenic for DCM in an autosomal dominant manner based on PS4_Moderate, PP1_Moderate, PM2_Supporting, and PP3.

GeneDx
Classification: Likely pathogenic. Last evaluated: 2025-08-15. Review status: criteria provided, single submitter. Criteria: GeneDx Variant Classification Process June 2021. Collection method: clinical testing. Allele origin: germline. Affected: yes. Not counted in ClinVar's aggregate classification.
Comment: Observed in multiple unrelated patients with cardiomyopathy referred for genetic testing at GeneDx and in published literature; DCM is most common but LVNC and HCM have also been reported (PMID: 22464770, 27532257, 24503780, 36007715, 37652022); Not observed at significant frequency in large population cohorts (gnomAD); In silico analysis supports that this missense variant has a deleterious effect on protein structure/function; This variant is associated with the following publications: (PMID: 29300372, 22464770, 27532257, 37652022, 21310275, 40074473, 24503780, 36007715)

Labcorp Genetics (formerly Invitae), Labcorp
Classification: Pathogenic for Hypertrophic cardiomyopathy. Last evaluated: 2025-08-03. Review status: criteria provided, single submitter. Criteria: Invitae Variant Classification Sherloc (09022015). Collection method: clinical testing. Allele origin: germline. Not counted in ClinVar's aggregate classification.
Comment: This sequence change replaces arginine, which is basic and polar, with histidine, which is basic and polar, at codon 1193 of the MYH7 protein (p.Arg1193His). This variant is present in population databases (rs397516187, gnomAD 0.001%). This missense change has been observed in individuals with clinical features of dilated cardiomyopathy or hypertrophic cardiomyopathy (PMID: 22464770, 27532257; external communication, internal data). It has also been observed to segregate with disease in related individuals. ClinVar contains an entry for this variant (Variation ID: 42965). Invitae Evidence Modeling of protein sequence and biophysical properties (such as structural, functional, and spatial information, amino acid conservation, physicochemical variation, residue mobility, and thermodynamic stability) indicates that this missense variant is expected to disrupt MYH7 protein function with a positive predictive value of 95%. This variant disrupts the p.Arg1193 amino acid residue in MYH7. Other variant(s) that disrupt this residue have been observed in individuals with MYH7-related conditions (PMID: 15769782), which suggests that this may be a clinically significant amino acid residue. For these reasons, this variant has been classified as Pathogenic.

Molecular Diagnostic Laboratory for Inherited Cardiovascular Disease, Montreal Heart Institute
Classification: Pathogenic for Cardiovascular phenotype. Last evaluated: 2024-09-03. Review status: criteria provided, single submitter. Criteria: ACMG Guidelines, 2015. Collection method: clinical testing. Allele origin: germline. Affected: yes. Not counted in ClinVar's aggregate classification.
Comment: PS4, PM2, PP1_mod, PM5_supp, PP3

Ambry Genetics
Classification: Likely pathogenic for Cardiovascular phenotype. Last evaluated: 2024-05-20. Review status: criteria provided, single submitter. Criteria: Ambry Variant Classification Scheme 2023. Collection method: clinical testing. Allele origin: germline. Not counted in ClinVar's aggregate classification.
Comment: The c.3578G>A (p.R1193H) alteration is located in exon 27 (coding exon 25) of the MYH7 gene. This alteration results from a G to A substitution at nucleotide position 3578, causing the arginine (R) at amino acid position 1193 to be replaced by a histidine (H). Based on data from gnomAD, the A allele has an overall frequency of 0.001% (2/236944) total alleles studied. This alteration has been reported in subjects with hypertrophic cardiomyopathy (HCM) and dilated cardiomyopathy (DCM) (Walsh, 2017; Lakdawala, 2012; Kelly, 2018; external communication). This amino acid position is highly conserved in available vertebrate species. This alteration is predicted to be deleterious by in silico analysis. Based on the available evidence, this alteration is classified as likely pathogenic.

All of Us Research Program, National Institutes of Health
Classification: Likely pathogenic for Primary dilated cardiomyopathy. Last evaluated: 2024-03-24. Review status: criteria provided, single submitter. Criteria: ACMG Guidelines, 2015. Collection method: clinical testing. Allele origin: germline. Inheritance: Autosomal dominant inheritance. Observed: 1 variant allele, 1 heterozygote. Not counted in ClinVar's aggregate classification.
Comment: This missense variant replaces arginine with histidine at codon 1193 in the neck and hinge domain of the MYH7 protein. Computational prediction tools indicate that this variant has a deleterious impact on protein structure and function. To our knowledge, functional studies have not been reported for this variant. This variant has been reported in at least nine individuals affected with dilated cardiomyopathy (PMID: 22464770, 27532257, 29300372, 36007715; ClinVar SCV000564445.5). It has been shown that this variant segregates with disease in multiple affected individuals across multiple families (PMID: 29300372; ClinVar SCV000564445.5). This variant has been identified in 2/236944 chromosomes in the general population by the Genome Aggregation Database (gnomAD). Based on the available evidence, this variant is classified as Likely Pathogenic.

This study involves interpretation of variants in research participants for the purpose of population health screening. Participant phenotype was not available at the time of variant classification. Additional details can be found in publication PMID: 35346344, PMCID: PMC8962531

Blueprint Genetics
Classification: Likely pathogenic for MYH7-related disorders. Last evaluated: 2024-02-21. Review status: criteria provided, single submitter. Criteria: ACMG Guidelines, 2015. Collection method: clinical testing. Allele origin: germline. Affected: yes. Observed: 5 variant alleles. Not counted in ClinVar's aggregate classification.

Women's Health and Genetics/Laboratory Corporation of America, LabCorp
Classification: Likely pathogenic for Primary familial hypertrophic cardiomyopathy. Last evaluated: 2023-12-07. Review status: criteria provided, single submitter. Criteria: LabCorp Variant Classification Summary - May 2015. Collection method: clinical testing. Allele origin: germline. Not counted in ClinVar's aggregate classification.
Comment: Variant summary: MYH7 c.3578G>A (p.Arg1193His) results in a non-conservative amino acid change located in the Myosin tail domain (IPR002928) of the encoded protein sequence. Five of five in-silico tools predict a damaging effect of the variant on protein function. The variant allele was found at a frequency of 8.4e-06 in 236944 control chromosomes (gnomAD). c.3578G>A has been reported in the literature in individuals affected with Hypertrophic Cardiomyopathy or Dilated Cardiomyopathy (Lakdawala_2012, Pugh_2014, Walsh_2017). These data indicate that the variant is likely to be associated with disease. To our knowledge, no experimental evidence demonstrating an impact on protein function has been reported. The following publications have been ascertained in the context of this evaluation (PMID: 22464770, 24503780, 27532257, 29300372). Five submitters have cited clinical-significance assessments for this variant to ClinVar after 2014. One submitter classified it as pathogenic, two (including a ClinGen expert panel) classified it as likely pathogenic, and two classified it as uncertain significance. Based on the evidence outlined above, the variant was classified as likely pathogenic.

Laboratory for Molecular Medicine, Mass General Brigham Personalized Medicine
Classification: Uncertain significance. Last evaluated: 2021-02-01. Review status: flagged submission. Criteria: LMM Criteria. Collection method: clinical testing. Allele origin: germline. Inheritance: Autosomal dominant inheritance. Observed: 10 variant alleles. Not counted in ClinVar's aggregate classification.
Comment: Variant classified as Uncertain Significance - Favor Pathogenic. The p.Arg1193His variant in MYH7 has been identified in 7 Caucasian individuals with DCM and segregated with disease in 4 affected relatives, including one obligate carrier, and has been reported in one individual with HCM (Lakdawala 2012 PMID: 22464770, Walsh 2017 PMID: 27532257, LMM data). It has also been identified in 0.01% (1/104518) of European chromosomes by gnomAD. Computational prediction tools and conservation analyses suggest that this variant may impact the protein, though this information is not predictive enough to determine pathogenicity. A different variant (p.Arg1193Ser) at this position has been reported in 1 individual with DCM and segregated with disease in 3 affected family members (Villard 2005 PMID: 15769782), supporting that a change at this position may not be tolerated. In summary, while there is some suspicion for a pathogenic role, the clinical significance of this variant is uncertain. ACMG/AMP Criteria applied: PS4_Moderate, PM2_Supporting, PP1, PP3.
ClinVar note: Reason: New submission from submitter that appears to have been intended to update this older submission

Literature cited by the submitters: PubMed 29300372 (cited by 4 submitters); PubMed 22464770 (cited by 5 submitters); PubMed 27532257 (cited by 4 submitters); PubMed 15769782 (cited by Labcorp Genetics (formerly Invitae), Labcorp and Laboratory for Molecular Medicine, Mass General Brigham Personalized Medicine); PubMed 36007715 (cited by All of Us Research Program, National Institutes of Health); PubMed 24503780 (cited by Women's Health and Genetics/Laboratory Corporation of America, LabCorp); PubMed 21310275 (cited by Laboratory for Molecular Medicine, Mass General Brigham Personalized Medicine).

NM_000257.4(MYH7):c.3578G>A (p.Arg1193His)

Gene: MYH7 (myosin heavy chain 7; minus strand). Cytogenetic location: 14q11.2.
Variant type: single nucleotide variant.
Coding change: c.3578G>A on transcript NM_000257.4 (MANE Select); coding-DNA position 3578, G replaced by A.
Protein change: p.Arg1193His; replaces arginine 1193 with histidine.
Molecular consequence: missense variant.
Genome position (GRCh38, 1-based): chr14:23,419,993, C>T on the plus strand (G>A on the coding strand, the complement: MYH7 is on the minus strand). VCF-style: chr14-23419993-C-T. GRCh37 (hg19) VCF-style: chr14-23889202-C-T.
Other names: p.R1193H:CGC>CAC; NM_000257.3(MYH7):c.3578G>A; NM_000257.4(MYH7):c.3578G>A; short protein forms R1193H.
Identifiers: ClinVar variation 42965 (VCV000042965.29), dbSNP rs397516187, ClinGen allele CA013815.